The following is an entry in ClinVar:

ClinVar aggregate classification (germline): Uncertain significance. Review status: criteria provided, multiple submitters, no conflicts (2 of 4 stars). 2 submissions from 2 submitters: Uncertain significance (2). Last evaluated 2024-09-01.

Conditions:
Hereditary nonpolyposis colorectal neoplasms. Identifiers: MedGen C0009405, MeSH D003123.
Hereditary cancer-predisposing syndrome. Also called: Neoplastic Syndromes, Hereditary; Hereditary Cancer Syndrome; Hereditary neoplastic syndrome; Tumor predisposition. Identifiers: Orphanet 140162, MedGen C0027672, MeSH D009386, MONDO:0015356.

Submissions (2):

Ambry Genetics
Classification: Uncertain significance for Hereditary cancer-predisposing syndrome. Last evaluated: 2024-09-01. Review status: criteria provided, single submitter. Criteria: Ambry Variant Classification Scheme 2023. Collection method: clinical testing. Allele origin: germline.
Comment: The p.G932V variant (also known as c.2795G>T), located in coding exon 4 of the MSH6 gene, results from a G to T substitution at nucleotide position 2795. The glycine at codon 932 is replaced by valine, an amino acid with dissimilar properties. This amino acid position is conserved. In addition, this alteration is predicted to be deleterious by in silico analysis. Based on the available evidence, the clinical significance of this variant remains unclear.

Labcorp Genetics (formerly Invitae), Labcorp
Classification: Uncertain significance for Hereditary nonpolyposis colorectal neoplasms. Last evaluated: 2023-11-02. Review status: criteria provided, single submitter. Criteria: Invitae Variant Classification Sherloc (09022015). Collection method: clinical testing. Allele origin: germline.
Comment: This sequence change replaces glycine, which is neutral and non-polar, with valine, which is neutral and non-polar, at codon 932 of the MSH6 protein (p.Gly932Val). This variant is not present in population databases (gnomAD no frequency). This variant has not been reported in the literature in individuals affected with MSH6-related conditions. ClinVar contains an entry for this variant (Variation ID: 1419817). Advanced modeling of protein sequence and biophysical properties (such as structural, functional, and spatial information, amino acid conservation, physicochemical variation, residue mobility, and thermodynamic stability) has been performed at Invitae for this missense variant, however the output from this modeling did not meet the statistical confidence thresholds required to predict the impact of this variant on MSH6 protein function. In summary, the available evidence is currently insufficient to determine the role of this variant in disease. Therefore, it has been classified as a Variant of Uncertain Significance.

NM_000179.3(MSH6):c.2795G>T (p.Gly932Val)

Gene: MSH6 (mutS homolog 6; plus strand). Cytogenetic location: 2p16.3.
Variant type: single nucleotide variant.
Coding change: c.2795G>T on transcript NM_000179.3 (MANE Select); coding-DNA position 2795, G replaced by T.
Protein change: p.Gly932Val; replaces glycine 932 with valine.
Molecular consequence: missense variant.
Genome position (GRCh38, 1-based): chr2:47,800,778, G>T. VCF-style: chr2-47800778-G-T. GRCh37 (hg19) VCF-style: chr2-48027917-G-T.
Other names: c.2405G>T, p.Gly802Val (NM_001281492.2); c.1889G>T, p.Gly630Val (NM_001281493.2, NM_001281494.2); c.2795G>T (NM_000179.2); short protein forms G932V, G630V, G802V.
Identifiers: ClinVar variation 1419817 (VCV001419817.9), dbSNP rs786203914, ClinGen allele CA346755559.
Genomic context (GRCh38, chr2:47,800,778, plus strand): 5'-GGGATACAGCCTTTGACCATGAAAAGGCTCGAAAGACTGGACTTATTACTCCCAAAGCAG[G>T]CTTTGACTCTGATTATGACCAAGCTCTTGCTGACATAAGAGAAAATGAACAGAGCCTCCT-3'
Protein context (NP_000170.1, residues 922-942): RKTGLITPKA[Gly932Val]FDSDYDQALA